The following is an entry in ClinVar:

ClinVar aggregate classification (germline): Pathogenic/Likely pathogenic. Review status: criteria provided, multiple submitters, no conflicts (2 of 4 stars). 15 submissions from 15 submitters: Pathogenic (13); Likely pathogenic (2). Last evaluated 2026-06-19.

Conditions:
Congenital hypothyroidism. Identifiers: Orphanet 442, MedGen C0010308, MONDO:0018612, HP:0000851.
TSHR-related disorder. Also called: TSHR-related disorders; TSHR-related condition.
Hypothyroidism due to TSH receptor mutations. Also called: HYPOTHYROIDISM DUE TO UNRESPONSIVENESS TO THYROTROPIN; HYPOTHYROIDISM, CONGENITAL, DUE TO TSH RESISTANCE; HYPOTHYROIDISM, NONAUTOIMMUNE; THYROID-STIMULATING HORMONE, RESISTANCE TO; TSH RESISTANCE; Hypothyroidism, congenital, nongoitrous, 1. Identifiers: Orphanet 90673, MedGen C3493776, MONDO:0010142, OMIM 275200.
Familial gestational hyperthyroidism. Identifiers: Orphanet 99819, MedGen C1863959, MONDO:0011309, OMIM 603373.
Familial hyperthyroidism due to mutations in TSH receptor. Also called: TOXIC THYROID HYPERPLASIA, AUTOSOMAL DOMINANT; HYPERTHYROIDISM, CONGENITAL NONAUTOIMMUNE; HYPERTHYROIDISM, NONAUTOIMMUNE, AUTOSOMAL DOMINANT. Identifiers: Orphanet 424, MedGen C1836706, MONDO:0012203, OMIM 609152.
Ovarian cancer. Also called: OVARIAN CANCER, SOMATIC. Identifiers: Orphanet 213500, MedGen C1140680, MONDO:0008170, OMIM 167000.

Allele frequency attached by ClinVar (database versions not stated): gnomAD exomes 0.00011 and 0.00023; TOPMed 0.00014; 1000 Genomes Project 30x 0.00016; 1000 Genomes Project 0.00020; ExAC 0.00029.
gnomAD v4.1: 178 of 1,614,112 alleles (0.011%); highest among the groups gnomAD compares: East Asian, 0.27%; 1 homozygote.

Submissions 1 to 11 of 15:

Victorian Clinical Genetics Services, Murdoch Childrens Research Institute
Classification: Pathogenic for Hypothyroidism due to TSH receptor mutations. Last evaluated: 2026-06-19. Review status: criteria provided, single submitter. Criteria: ACMG Guidelines, 2015. Collection method: clinical testing. Allele origin: germline. Affected: no.
Comment: This variant is classified as Pathogenic. Evidence in support of pathogenic classification: Variant is present in gnomAD <0.01 for a recessive condition (v4: 176 heterozygote(s), 1 homozygote(s)); This variant has strong previous evidence of pathogenicity in unrelated individuals. This variant has been classified as pathogenic or likely pathogenic by many clinical laboratories in ClinVar, and has been observed in a compound heterozygous or homozygous state in individuals with congenital hypothyroidism (PMID: 38433572). Additional information: Variant is predicted to result in a missense amino acid change from arginine to histidine - This variant is heterozygous; This gene is associated with both recessive and dominant disease (OMIM); Multiple alternative amino acid changes at the same position have been observed in gnomAD (v4 highest allele count: 9 heterozygote(s), 0 homozygote(s)); Loss of function and gain of function are known mechanisms of disease in this gene. Loss of function is associated with autosomal recessive hypothyroidism, congenital, nongoitrous, 1 (MIM#275200), while gain of function is associated with autosomal dominant hyperthyroidism, familial gestational (MIM#603373), and hyperthyroidism, nonautoimmune (MIM#609152) (PMIDs: 38194289; 23154162).

Women's Health and Genetics/Laboratory Corporation of America, LabCorp
Classification: Pathogenic for Hypothyroidism due to TSH receptor mutations. Last evaluated: 2025-04-09. Review status: criteria provided, single submitter. Criteria: LabCorp Variant Classification Summary - May 2015. Collection method: clinical testing. Allele origin: germline.
Comment: Variant summary: TSHR c.1349G>A (p.Arg450His) results in a non-conservative amino acid change in the encoded protein sequence. Five of five in-silico tools predict a damaging effect of the variant on protein function. The variant allele was found at a frequency of 0.00023 in 251452 control chromosomes. This frequency is not significantly higher than estimated for a pathogenic variant in TSHR causing Hypothyroidism Due To TSH Receptor Mutations, allowing no conclusion about variant significance. c.1349G>A has been reported in the literature in at-least three individuals (at a homozygous state) affected with hypothyroidism, and in at-least three individuals, at a heterozygous state, with fully or partially compensated hypothyroidism (example, Kanda_2006). These data indicate that the variant is very likely to be associated with disease. At least one publication reports experimental evidence evaluating an impact on protein function. The most pronounced variant effect results in 8% of normal Gq activity by NFATRE-luciferase reporter assay (Narumi_2011). The following publications have been ascertained in the context of this evaluation (PMID: 17526952, 21677043). ClinVar contains an entry for this variant (Variation ID: 225505). Based on the evidence outlined above, the variant was classified as pathogenic.

Blueprint Genetics
Classification: Pathogenic for TSHR-related disorders. Last evaluated: 2024-07-11. Review status: criteria provided, single submitter. Criteria: ACMG Guidelines, 2015. Collection method: clinical testing. Allele origin: de novo. Affected: yes. Observed: 5 variant alleles.

Fulgent Genetics
Classification: Pathogenic for Hypothyroidism due to TSH receptor mutations; Familial gestational hyperthyroidism; Familial hyperthyroidism due to mutations in TSH receptor. Last evaluated: 2024-06-06. Review status: criteria provided, single submitter. Criteria: ACMG Guidelines, 2015. Collection method: clinical testing. Allele origin: germline.

Labcorp Genetics (formerly Invitae), Labcorp
Classification: Pathogenic. Last evaluated: 2024-02-29. Review status: criteria provided, single submitter. Criteria: Invitae Variant Classification Sherloc (09022015). Collection method: clinical testing. Allele origin: germline.
Comment: This sequence change replaces arginine, which is basic and polar, with histidine, which is basic and polar, at codon 450 of the TSHR protein (p.Arg450His). This variant is present in population databases (rs189261858, gnomAD 0.3%). This missense change has been observed in individual(s) with autosomal recessive congenital hypothyroidism (PMID: 11442002, 19506388, 21677043, 30083029, 31356790). In at least one individual the data is consistent with being in trans (on the opposite chromosome) from a pathogenic variant. It has also been observed to segregate with disease in related individuals. ClinVar contains an entry for this variant (Variation ID: 225505). Advanced modeling of protein sequence and biophysical properties (such as structural, functional, and spatial information, amino acid conservation, physicochemical variation, residue mobility, and thermodynamic stability) performed at Invitae indicates that this missense variant is expected to disrupt TSHR protein function with a positive predictive value of 80%. Experimental studies have shown that this missense change affects TSHR function (PMID: 11442002, 16756469, 21677043, 30083029). For these reasons, this variant has been classified as Pathogenic.

Revvity Omics, Revvity
Classification: Likely pathogenic. Last evaluated: 2024-02-27. Review status: criteria provided, single submitter. Criteria: ACMG Guidelines, 2015. Collection method: clinical testing. Allele origin: germline.

Laboratorio de Genetica e Diagnostico Molecular, Hospital Israelita Albert Einstein
Classification: Pathogenic for Familial gestational hyperthyroidism. Last evaluated: 2022-09-16. Review status: criteria provided, single submitter. Criteria: ACMG Guidelines, 2015. Collection method: clinical testing. Allele origin: germline. Affected: yes.
Comment: ACMG classification criteria: PS3 supporting, PM3 very strong, PP3 supporting

GeneDx
Classification: Pathogenic. Last evaluated: 2022-04-25. Review status: criteria provided, single submitter. Criteria: GeneDx Variant Classification Process June 2021. Collection method: clinical testing. Allele origin: germline. Affected: yes.
Comment: Published functional studies of transfected COS-7 cells showed slightly decreased cAMP production and a slightly decreased binding to thyroid stimulating hormone (Nagashima et al., 2001); In silico analysis supports that this missense variant has a deleterious effect on protein structure/function; This variant is associated with the following publications: (PMID: 22405933, 30083029, 28444304, 21677043, 29650690, 22876533, 21714469, 11442002, 15693879, 19158199, 27637299, 27084275, 29092890, 26990548, 28455095, 30022773, 31356790, 21707688, 29973617, 30577886, 32425884, 34248839, 23926367, 31589614, 32319661, 32459320)

Laboratory of Molecular Epidemiology of Birth Defects, West China Second University Hospital, Sichuan University
Classification: Likely pathogenic for Ovarian cancer. Last evaluated: 2022-01-01. Review status: criteria provided, single submitter. Criteria: ACMG Guidelines, 2015. Collection method: clinical testing. Allele origin: germline. Affected: yes.

Genetics and Molecular Pathology, SA Pathology
Classification: Pathogenic for Hypothyroidism due to TSH receptor mutations. Last evaluated: 2021-12-13. Review status: criteria provided, single submitter. Criteria: ACMG Guidelines, 2015. Collection method: clinical testing. Allele origin: germline. Inheritance: Autosomal recessive inheritance. Affected: yes.

CeGaT Center for Human Genetics Tuebingen
Classification: Pathogenic. Last evaluated: 2021-09-01. Review status: criteria provided, single submitter. Criteria: CeGaT Center For Human Genetics Tuebingen Variant Classification Criteria Version 2. Collection method: clinical testing. Allele origin: germline. Affected: yes. Observed: 1 variant allele.

NM_000369.5(TSHR):c.1349G>A (p.Arg450His)

Genes: TSHR (thyroid stimulating hormone receptor; plus strand), TSHR-AS1 (TSHR antisense RNA 1; minus strand). Cytogenetic location: 14q31.1.
Variant type: single nucleotide variant.
Coding change: c.1349G>A on transcript NM_000369.5 (MANE Select); coding-DNA position 1349, G replaced by A.
Protein change: p.Arg450His; replaces arginine 450 with histidine.
Molecular consequence: missense variant.
Genome position (GRCh38, 1-based): chr14:81,143,407, G>A. VCF-style: chr14-81143407-G-A. GRCh37 (hg19) VCF-style: chr14-81609751-G-A.
Other names: c.1349G>A (NM_000369.3); short protein forms R450H.
Identifiers: ClinVar variation 225505 (VCV000225505.67), dbSNP rs189261858, ClinGen allele CA7294442.